The following is an entry in ClinVar:

ClinVar aggregate classification (germline): Uncertain significance (1 of 4 stars; one submission).

Conditions:
Dilated cardiomyopathy 1G (CMD1G). Identifiers: Orphanet 154, MedGen C1858763, MONDO:0011400, OMIM 604145.
Autosomal recessive limb-girdle muscular dystrophy type 2J (LGMDR10). Also called: Limb-girdle muscular dystrophy, type 2J; MUSCULAR DYSTROPHY, LIMB-GIRDLE, AUTOSOMAL RECESSIVE 10. Identifiers: Orphanet 140922, MedGen C1837342, MONDO:0012127, OMIM 608807.

Submission:

Labcorp Genetics (formerly Invitae), Labcorp
Classification: Uncertain significance for Dilated cardiomyopathy 1G; Autosomal recessive limb-girdle muscular dystrophy type 2J. Last evaluated: 2021-07-29. Review status: criteria provided, single submitter. Criteria: Invitae Variant Classification Sherloc (09022015). Collection method: clinical testing. Allele origin: germline.
Comment: This variant is a gross deletion of the genomic region encompassing exon(s) 128-129 of the TTN gene. This variant would be expected to be in-frame, preserving the integrity of the reading frame. This variant has not been reported in the literature in individuals affected with TTN-related conditions. This variant is located in the I band of TTN (PMID: 25589632). Copy number variants in TTN have been previously reported in individuals affected with neuromuscular disorders (PMID: 29792937, 30238059), but the functional significance of this variant is currently unknown. In summary, the available evidence is currently insufficient to determine the role of this variant in disease. Therefore, it has been classified as a Variant of Uncertain Significance.

Literature cited by the submitters: PubMed 25589632; PubMed 29792937; PubMed 30238059.

NC_000002.11:g.(?_179549960)_(179550345_?)del

Gene: TTN (titin; minus strand). Cytogenetic location: 2q31.2.
Variant type: Deletion.
Identifiers: ClinVar variation 1399782 (VCV001399782.5).